The following is an entry in ClinVar:

ClinVar aggregate classification (germline): Uncertain significance. Review status: criteria provided, multiple submitters, no conflicts (2 of 4 stars). 2 submissions from 2 submitters: Uncertain significance (2). Last evaluated 2025-04-28.

Conditions:
Inborn genetic diseases. Identifiers: MedGen C0950123, MeSH D030342.

Allele frequency attached by ClinVar (database versions not stated): gnomAD exomes below 0.00001; ExAC 0.00003; TOPMed 0.00001.
gnomAD v4.1: 2 of 1,211,713 alleles (0.00017%); highest among the groups gnomAD compares: Admixed American, 0.0022%; no homozygotes.

Submissions (2):

Labcorp Genetics (formerly Invitae), Labcorp
Classification: Uncertain significance. Last evaluated: 2025-04-28. Review status: criteria provided, single submitter. Criteria: Invitae Variant Classification Sherloc (09022015). Collection method: clinical testing. Allele origin: germline.
Comment: This sequence change replaces proline, which is neutral and non-polar, with threonine, which is neutral and polar, at codon 45 of the RBM10 protein (p.Pro45Thr). This variant is present in population databases (rs782797549, gnomAD 0.005%). This variant has not been reported in the literature in individuals affected with RBM10-related conditions. ClinVar contains an entry for this variant (Variation ID: 2105513). An algorithm developed to predict the effect of missense changes on protein structure and function (PolyPhen-2) suggests that this variant is likely to be tolerated. In summary, the available evidence is currently insufficient to determine the role of this variant in disease. Therefore, it has been classified as a Variant of Uncertain Significance.

Ambry Genetics
Classification: Uncertain significance for Inborn genetic diseases. Last evaluated: 2022-07-27. Review status: criteria provided, single submitter. Criteria: Ambry Variant Classification Scheme 2023. Collection method: clinical testing. Allele origin: germline.

NM_005676.5(RBM10):c.133C>A (p.Pro45Thr)

Gene: RBM10 (RNA binding motif protein 10; plus strand). Cytogenetic location: Xp11.3.
Variant type: single nucleotide variant.
Coding change: c.133C>A on transcript NM_005676.5 (MANE Select); coding-DNA position 133, C replaced by A.
Protein change: p.Pro45Thr; replaces proline 45 with threonine.
Molecular consequence: missense variant.
Genome position (GRCh38, 1-based): chrX:47,169,430, C>A. VCF-style: chrX-47169430-C-A. GRCh37 (hg19) VCF-style: chrX-47028829-C-A.
Other names: c.133C>A, p.Pro45Thr (NM_001204466.2, NM_001204467.2, NM_152856.3); c.328C>A, p.Pro110Thr (NM_001204468.2); short protein forms P45T, P110T.
Identifiers: ClinVar variation 2105513 (VCV002105513.5), dbSNP rs782797549, ClinGen allele CA10395048.